The following is an entry in ClinVar:

NM_005032.7(PLS3):c.145C>T (p.Pro49Ser)

Gene: PLS3 (plastin 3; plus strand). Cytogenetic location: Xq23.
Variant type: single nucleotide variant.
Coding change: c.145C>T on transcript NM_005032.7 (MANE Select); coding-DNA position 145, C replaced by T.
Protein change: p.Pro49Ser; replaces proline 49 with serine.
Molecular consequence: missense variant.
Genome position (GRCh38, 1-based): chrX:115,622,317, C>T. VCF-style: chrX-115622317-C-T. GRCh37 (hg19) VCF-style: chrX-114856629-C-T.
Other names: c.145C>T, p.Pro49Ser (NM_001136025.5, NM_001172335.3); c.79C>T, p.Pro27Ser (NM_001282337.2); c.10C>T, p.Pro4Ser (NM_001282338.2); short protein forms P49S, P27S, P4S.
Identifiers: ClinVar variation 3015488 (VCV003015488.3), dbSNP rs2521363621, ClinGen allele CA414331489.
Genomic context (GRCh38, chrX:115,622,317, plus strand): 5'-AACGGATTCATTTGTGACTATGAACTTCATGAGCTCTTCAAGGAAGCTAATATGCCATTA[C>T]CAGGATATAAAGTGAGAGAAATTATTCAGAAACTCATGCTGGATGGTGACAGGAATAAAG-3'
Protein context (NP_005023.2, residues 39-59): ELFKEANMPL[Pro49Ser]GYKVREIIQK

ClinVar aggregate classification (germline): Uncertain significance (1 of 4 stars; one submission).

Submission:

Labcorp Genetics (formerly Invitae), Labcorp
Classification: Uncertain significance. Last evaluated: 2023-03-17. Review status: criteria provided, single submitter. Criteria: Invitae Variant Classification Sherloc (09022015). Collection method: clinical testing. Allele origin: germline.
Comment: In summary, the available evidence is currently insufficient to determine the role of this variant in disease. Therefore, it has been classified as a Variant of Uncertain Significance. Advanced modeling of protein sequence and biophysical properties (such as structural, functional, and spatial information, amino acid conservation, physicochemical variation, residue mobility, and thermodynamic stability) performed at Invitae indicates that this missense variant is not expected to disrupt PLS3 protein function. This variant has not been reported in the literature in individuals affected with PLS3-related conditions. This variant is not present in population databases (gnomAD no frequency). This sequence change replaces proline, which is neutral and non-polar, with serine, which is neutral and polar, at codon 49 of the PLS3 protein (p.Pro49Ser).